The following is an entry in ClinVar:

NM_000143.4(FH):c.1074_1075delinsTT (p.Leu358_Pro359delinsPheSer)

Gene: FH (fumarate hydratase; minus strand). Cytogenetic location: 1q43.
Variant type: Indel.
Coding change: c.1074_1075delinsTT on transcript NM_000143.4 (MANE Select); coding-DNA positions 1074 to 1075, GC replaced by TT.
Protein change: p.Leu358_Pro359delinsPheSer.
Molecular consequence: missense variant.
Genome position (GRCh38, 1-based): chr1:241,504,075-241,504,076, GC replaced by AA on the plus strand (GC replaced by TT on the coding strand, the reverse complement: FH is on the minus strand). VCF-style: chr1-241504075-GC-AA. GRCh37 (hg19) VCF-style: chr1-241667375-GC-AA.
Identifiers: ClinVar variation 5021771 (VCV005021771.1).
Genomic context (GRCh38, chr1:241,504,075, plus strand): 5'-TCCAACATTTACTAGCTATGTGATTACCTGGCATGATACTGCTTCCTGGTTCATTTTCAG[GC>AA]AAGATCAATTCTCCCAGACCTGACCGAGGACCAGAACCCAAAAATCGAATATCATTTGCT-3'

ClinVar aggregate classification (germline): Uncertain significance (1 of 4 stars; one submission).

Conditions:
Hereditary cancer-predisposing syndrome. Also called: Neoplastic Syndromes, Hereditary; Tumor predisposition; Hereditary neoplastic syndrome; Hereditary Cancer Syndrome. Identifiers: Orphanet 140162, MedGen C0027672, MeSH D009386, MONDO:0015356.

Submission:

Ambry Genetics
Classification: Uncertain significance for Hereditary cancer-predisposing syndrome. Last evaluated: 2026-07-30. Review status: criteria provided, single submitter. Criteria: Ambry Variant Classification Scheme 2023. Collection method: clinical testing. Allele origin: germline.
Comment: The c.1074_1075delGCinsTT variant (also known as p.L358_P359delinsFS), located in coding exon 7 of the FH gene, results from an in-frame deletion of GC and insertion of TT at nucleotide positions 1074 to 1075. This results in the deletion of leucine and proline residues and insertion of phenylalanine and serine residues at codons 358 and 359. This amino acid region is highly conserved in available vertebrate species. In addition, this variant is predicted to be deleterious by in silico analysis (Choi Y et al. PLoS ONE. 2012; 7(10):e46688). Based on the available evidence, the clinical significance of this variant remains unclear.